The following is an entry in ClinVar:

ClinVar aggregate classification (germline): Uncertain significance (1 of 4 stars; one submission).

Conditions:
Lethal congenital glycogen storage disease of heart. Also called: GLYCOGEN STORAGE DISEASE OF HEART; PHOSPHORYLASE KINASE DEFICIENCY OF HEART. Identifiers: Orphanet 439854, MedGen C1849813, MONDO:0009867, OMIM 261740.

Submission:

Labcorp Genetics (formerly Invitae), Labcorp
Classification: Uncertain significance for Lethal congenital glycogen storage disease of heart. Last evaluated: 2023-11-07. Review status: criteria provided, single submitter. Criteria: Invitae Variant Classification Sherloc (09022015). Collection method: clinical testing. Allele origin: germline.
Comment: This sequence change replaces asparagine, which is neutral and polar, with histidine, which is basic and polar, at codon 512 of the PRKAG2 protein (p.Asn512His). This variant is not present in population databases (gnomAD no frequency). This variant has not been reported in the literature in individuals affected with PRKAG2-related conditions. Advanced modeling of protein sequence and biophysical properties (such as structural, functional, and spatial information, amino acid conservation, physicochemical variation, residue mobility, and thermodynamic stability) performed at Invitae indicates that this missense variant is not expected to disrupt PRKAG2 protein function with a negative predictive value of 95%. In summary, the available evidence is currently insufficient to determine the role of this variant in disease. Therefore, it has been classified as a Variant of Uncertain Significance.

NM_016203.4(PRKAG2):c.1534A>C (p.Asn512His)

Gene: PRKAG2 (protein kinase AMP-activated non-catalytic subunit gamma 2; minus strand). Cytogenetic location: 7q36.1.
Variant type: single nucleotide variant.
Coding change: c.1534A>C on transcript NM_016203.4 (MANE Select); coding-DNA position 1534, A replaced by C.
Protein change: p.Asn512His; replaces asparagine 512 with histidine.
Molecular consequence: missense variant.
Genome position (GRCh38, 1-based): chr7:151,564,128, T>G on the plus strand (A>C on the coding strand, the complement: PRKAG2 is on the minus strand). VCF-style: chr7-151564128-T-G. GRCh37 (hg19) VCF-style: chr7-151261214-T-G.
Other names: c.1402A>C, p.Asn468His (NM_001040633.2, NM_001407024.1); c.1159A>C, p.Asn387His (NM_001304527.2, NM_001407029.1); c.811A>C, p.Asn271His (NM_001304531.2, NM_001407034.1, NM_001407035.1 and 1 more transcripts); c.1162A>C, p.Asn388His (NM_001363698.2, NM_001407028.1); c.1534A>C, p.Asn512His (NM_001407021.1); c.1531A>C, p.Asn511His (NM_001407022.1, NM_001407023.1); c.1399A>C, p.Asn467His (NM_001407026.1, NM_001407027.1); c.1246A>C, p.Asn416His (NM_001407030.1); and 6 more; short protein forms N271H, N287H, N291H, N387H, N404H, N416H, N512H, N270H.
Identifiers: ClinVar variation 2810484 (VCV002810484.3), dbSNP rs2536275121, ClinGen allele CA370070532.
Genomic context (GRCh38, chr7:151,564,128, plus strand): 5'-GCCGTCTCACCTCAGCTCTTACTATTCTGTCCACGATGGTCTCCAGTATTTCCAGCTTAT[T>G]GCACTTCACAACACCTTCAAAATACTGTGAACGGTGCTGAAGGGCCTGGGTCACCGTGAT-3'
Protein context (NP_057287.2, residues 502-522): SQYFEGVVKC[Asn512His]KLEILETIVD